The following is an entry in ClinVar:

NM_183050.4(BCKDHB):c.487G>T (p.Glu163Ter)

Gene: BCKDHB (branched chain keto acid dehydrogenase E1 subunit beta; plus strand). Cytogenetic location: 6q14.1.
Variant type: single nucleotide variant.
Coding change: c.487G>T on transcript NM_183050.4 (MANE Select); coding-DNA position 487, G replaced by T.
Protein change: p.Glu163Ter; replaces glutamic acid 163 with a stop codon.
Molecular consequence: nonsense. On other transcripts: non-coding transcript variant (1).
Genome position (GRCh38, 1-based): chr6:80,168,884, G>T. VCF-style: chr6-80168884-G-T. GRCh37 (hg19) VCF-style: chr6-80878601-G-T.
Other names: c.487G>T, p.Glu163Ter (NM_000056.5); c.277G>T, p.Glu93Ter (NM_001318975.1); c.487G>T (NM_183050.3); short protein forms E163*, E93*.
Identifiers: ClinVar variation 370827 (VCV000370827.19), dbSNP rs1057516799, ClinGen allele CA16041095.
Genomic context (GRCh38, chr6:80,168,884, plus strand): 5'-GGAAGGGAAGGACTCATTGTGCCATGCCCCGTCTTTCTTTCTGACCCTCAGATTGTTAAT[G>T]AAGCTGCCAAGTATCGCTATCGCTCTGGGGATCTTTTTAACTGTGGAAGCCTCACTATCC-3'

ClinVar aggregate classification (germline): Pathogenic. Review status: criteria provided, multiple submitters, no conflicts (2 of 4 stars). 6 submissions from 6 submitters: Pathogenic (5). 1 of the submissions does not count toward it. Last evaluated 2025-04-22.

Conditions:
Maple syrup urine disease type 1B (MSUD1B). Also called: MSUD type IB; MSUD type 3 (formerly); MSUD due to deficiency of e1-beta subunit of branched-chain alpha-keto acid dehydrogenase complex. Identifiers: MedGen C2930990, MONDO:0023692, OMIM 620698.
Maple syrup urine disease type 1A (MSUD1A). Also called: MSUD type 1A. Identifiers: MedGen C1855369, MONDO:0023691, OMIM 248600.
Maple syrup urine disease (MSUD). Identifiers: Orphanet 511, MedGen C0024776, MeSH D008375, MONDO:0009563. Disease mechanism: loss of function.

Allele frequency attached by ClinVar (database versions not stated): gnomAD exomes below 0.00001.
gnomAD v4.1: 1 of 1,614,066 alleles (0.000062%); highest among the groups gnomAD compares: Non-Finnish European, 0.000085%; no homozygotes.

Submissions (6):

Natera, Inc.
Classification: Pathogenic for Maple syrup urine disease type 1B. Last evaluated: 2025-04-22. Review status: criteria provided, single submitter. Criteria: Natera Variant Classification Schema (03/2026). Collection method: clinical testing. Allele origin: germline.
Comment: The c.487G>T variant in BCKDHB is a nonsense variant predicted to introduce a stop codon at amino acid 163. This variant is expected to result in nonsense mediated decay, truncation, or a dysfunctional protein product. This variant is rare in the general population with a frequency below the threshold expected for the associated phenotype(s). This variant has been observed in one or more individuals affected with the associated recessive disease, as either homozygous or compound heterozygous with a second variant (PMID: 16786533). Given the available evidence, this variant is classified as Pathogenic.

Baylor Genetics
Classification: Pathogenic for Maple syrup urine disease type 1A. Last evaluated: 2023-04-04. Review status: criteria provided, single submitter. Criteria: ACMG Guidelines, 2015. Collection method: clinical testing. Allele origin: unknown.

Labcorp Genetics (formerly Invitae), Labcorp
Classification: Pathogenic for Maple syrup urine disease. Last evaluated: 2022-10-29. Review status: criteria provided, single submitter. Criteria: Invitae Variant Classification Sherloc (09022015). Collection method: clinical testing. Allele origin: germline.
Comment: For these reasons, this variant has been classified as Pathogenic. ClinVar contains an entry for this variant (Variation ID: 370827). This premature translational stop signal has been observed in individual(s) with maple syrup urine disease (PMID: 16786533). This variant is not present in population databases (gnomAD no frequency). This sequence change creates a premature translational stop signal (p.Glu163*) in the BCKDHB gene. It is expected to result in an absent or disrupted protein product. Loss-of-function variants in BCKDHB are known to be pathogenic (PMID: 16786533, 22593002).

Genome-Nilou Lab
Classification: Pathogenic for Maple syrup urine disease type 1A. Last evaluated: 2021-11-07. Review status: criteria provided, single submitter. Criteria: ACMG Guidelines, 2015. Collection method: clinical testing. Allele origin: germline. Affected: no.

Women's Health and Genetics/Laboratory Corporation of America, LabCorp
Classification: Pathogenic for Maple syrup urine disease type 1B. Last evaluated: 2018-10-18. Review status: criteria provided, single submitter. Criteria: LabCorp Variant Classification Summary - May 2015. Collection method: clinical testing. Allele origin: germline.
Comment: Variant summary: BCKDHB c.487G>T (p.Glu163X) results in a premature termination codon, predicted to cause a truncation of the encoded protein or absence of the protein due to nonsense mediated decay, which are commonly known mechanisms for disease. The variant was absent in 277258 control chromosomes (gnomAD and publication). The variant, c.487G>T, has been reported in the literature in multiple individuals (compound heterozygotes and homozygotes) affected with Maple Syrup Urine Disease Type 1B (Hallam_2014, Rodriguez-Pombo_2006). These data indicate that the variant is very likely to be associated with disease. At least one publication reports experimental evidence evaluating an impact on protein function. The most pronounced variant effect results in <10% of normal activity (Fisher_1993). A ClinVar submission from a clinical diagnostic laboratory (evaluation after 2014) cite variant as pathogenic. Based on the evidence outlined above, the variant was classified as pathogenic.

Counsyl
Classification: Pathogenic for Maple syrup urine disease type 1A. Last evaluated: 2016-04-22. Review status: no assertion criteria provided. Collection method: clinical testing. Allele origin: unknown. Not counted in ClinVar's aggregate classification.

Literature cited by the submitters: PubMed 16786533 (cited by 4 submitters); PubMed 22593002 (cited by Labcorp Genetics (formerly Invitae), Labcorp); PubMed 24374108 (cited by Women's Health and Genetics/Laboratory Corporation of America, LabCorp); PubMed 8430702 (cited by Women's Health and Genetics/Laboratory Corporation of America, LabCorp and Counsyl).